The following is an entry in ClinVar:

ClinVar aggregate classification (germline): Uncertain significance (1 of 4 stars; one submission).

gnomAD v4.1: 5 of 1,614,186 alleles (0.00031%); highest among the groups gnomAD compares: Non-Finnish European, 0.00042%; no homozygotes.

Submission:

Women's Health and Genetics/Laboratory Corporation of America, LabCorp
Classification: Uncertain significance. Last evaluated: 2023-10-30. Review status: criteria provided, single submitter. Criteria: LabCorp Variant Classification Summary - May 2015. Collection method: clinical testing. Allele origin: germline.
Comment: Variant summary: VPS16 c.775T>C (p.Cys259Arg) results in a non-conservative amino acid change located in the Vps16, N-terminal domain (IPR006926) of the encoded protein sequence. Three of five in-silico tools predict a damaging effect of the variant on protein function. The variant was absent in 251484 control chromosomes. The available data on variant occurrences in the general population are insufficient to allow any conclusion about variant significance. To our knowledge, no occurrence of c.775T>C in individuals affected with Dystonia 30 and no experimental evidence demonstrating its impact on protein function have been reported. No submitters have cited clinical-significance assessments for this variant to ClinVar after 2014. Based on the evidence outlined above, the variant was classified as uncertain significance.

NM_022575.4(VPS16):c.775T>C (p.Cys259Arg)

Gene: VPS16 (VPS16 core subunit of CORVET and HOPS complexes; plus strand). Cytogenetic location: 20p13.
Variant type: single nucleotide variant.
Coding change: c.775T>C on transcript NM_022575.4 (MANE Select); coding-DNA position 775, T replaced by C.
Protein change: p.Cys259Arg; replaces cysteine 259 with arginine.
Molecular consequence: missense variant.
Genome position (GRCh38, 1-based): chr20:2,861,246, T>C. VCF-style: chr20-2861246-T-C. GRCh37 (hg19) VCF-style: chr20-2841892-T-C.
Other names: c.775T>C, p.Cys259Arg (NM_080413.3); short protein forms C259R.
Identifiers: ClinVar variation 2637567 (VCV002637567.1), dbSNP rs941830906, ClinGen allele CA408054468.